The following is an entry in ClinVar:

ClinVar aggregate classification (germline): Uncertain significance (1 of 4 stars; one submission).

Allele frequency attached by ClinVar (database versions not stated): gnomAD exomes 0.00001; gnomAD 0.00001; TOPMed 0.00002.
gnomAD v4.1: 15 of 1,613,898 alleles (0.00093%); highest among the groups gnomAD compares: East Asian, 0.0022%; no homozygotes.

Submission:

Labcorp Genetics (formerly Invitae), Labcorp
Classification: Uncertain significance. Last evaluated: 2025-02-20. Review status: criteria provided, single submitter. Criteria: Invitae Variant Classification Sherloc (09022015). Collection method: clinical testing. Allele origin: germline.
Comment: This sequence change replaces arginine, which is basic and polar, with glutamine, which is neutral and polar, at codon 50 of the RPL31 protein (p.Arg50Gln). This variant is not present in population databases (gnomAD no frequency). This variant has not been reported in the literature in individuals affected with RPL31-related conditions. ClinVar contains an entry for this variant (Variation ID: 2827489). An algorithm developed to predict the effect of missense changes on protein structure and function (PolyPhen-2) suggests that this variant is likely to be tolerated. In summary, the available evidence is currently insufficient to determine the role of this variant in disease. Therefore, it has been classified as a Variant of Uncertain Significance.

NM_000993.5(RPL31):c.149G>A (p.Arg50Gln)

Gene: RPL31 (ribosomal protein L31; plus strand). Cytogenetic location: 2q11.2.
Variant type: single nucleotide variant.
Coding change: c.149G>A on transcript NM_000993.5 (MANE Select); coding-DNA position 149, G replaced by A.
Protein change: p.Arg50Gln; replaces arginine 50 with glutamine.
Molecular consequence: missense variant.
Genome position (GRCh38, 1-based): chr2:101,004,199, G>A. VCF-style: chr2-101004199-G-A. GRCh37 (hg19) VCF-style: chr2-101620661-G-A.
Other names: c.149G>A, p.Arg50Gln (NM_001098577.3, NM_001098578.1, NM_001099693.2); short protein forms R50Q.
Identifiers: ClinVar variation 2827489 (VCV002827489.3), dbSNP rs1339147334, ClinGen allele CA347901115.